The following is an entry in ClinVar:

NM_020693.4(DSCAML1):c.3140del (p.Asp1047fs)

Gene: DSCAML1 (DS cell adhesion molecule like 1; minus strand). Cytogenetic location: 11q23.3.
Variant type: Deletion.
Coding change: c.3140del on transcript NM_020693.4 (MANE Select); coding-DNA position 3140, one base deleted (A; older notation c.3140delA).
Protein change: p.Asp1047fs; shifts the reading frame from aspartic acid 1047.
Molecular consequence: frameshift variant.
Genome position (GRCh38, 1-based): chr11:117,465,067, T deleted on the plus strand (A on the coding strand, the reverse complement: DSCAML1 is on the minus strand). VCF-style (leftmost placement, unchanged base first): chr11-117465066-GT-G. GRCh37 (hg19) VCF-style: chr11-117335782-GT-G.
Other names: short protein forms D1047fs.
Identifiers: ClinVar variation 1395229 (VCV001395229.6), dbSNP rs2137160069, ClinGen allele CA2573147007.

ClinVar aggregate classification (germline): Uncertain significance (1 of 4 stars; one submission).

Submission:

Labcorp Genetics (formerly Invitae), Labcorp
Classification: Uncertain significance. Last evaluated: 2025-09-08. Review status: criteria provided, single submitter. Criteria: Invitae Variant Classification Sherloc (09022015). Collection method: clinical testing. Allele origin: germline.
Comment: This sequence change creates a premature translational stop signal (p.Asp1107Alafs*174) in the DSCAML1 gene. It is expected to result in an absent or disrupted protein product. However, the current clinical and genetic evidence is not sufficient to establish whether loss-of-function variants in DSCAML1 cause disease. This variant is not present in population databases (gnomAD no frequency). This variant has not been reported in the literature in individuals affected with DSCAML1-related conditions. ClinVar contains an entry for this variant (Variation ID: 1395229). In summary, the available evidence is currently insufficient to determine the role of this variant in disease. Therefore, it has been classified as a Variant of Uncertain Significance.